The following is an entry in ClinVar:

ClinVar aggregate classification (germline): Uncertain significance. Review status: criteria provided, multiple submitters, no conflicts (2 of 4 stars). 2 submissions from 2 submitters: Uncertain significance (2). Last evaluated 2024-08-20.

Conditions:
Autosomal dominant Parkinson disease 8. Also called: Parkinson disease 8, susceptibility to; LRRK2-Related Parkinson Disease; Parkinson disease 8. Identifiers: Orphanet 411602, MedGen C1846862, MONDO:0011764, OMIM 607060.

Allele frequency attached by ClinVar (database versions not stated): ExAC 0.00002; gnomAD 0.00003; gnomAD exomes 0.00005 and 0.00006; TOPMed 0.00006; ESP Exome Variant Server 0.00008.
gnomAD v4.1: 84 of 1,611,412 alleles (0.0052%); highest among the groups gnomAD compares: Admixed American, 0.0067%; no homozygotes.

Submissions (2):

Labcorp Genetics (formerly Invitae), Labcorp
Classification: Uncertain significance for Autosomal dominant Parkinson disease 8. Last evaluated: 2024-08-20. Review status: criteria provided, single submitter. Criteria: Invitae Variant Classification Sherloc (09022015). Collection method: clinical testing. Allele origin: germline.
Comment: This sequence change replaces alanine, which is neutral and non-polar, with valine, which is neutral and non-polar, at codon 2461 of the LRRK2 protein (p.Ala2461Val). This variant is present in population databases (rs201037550, gnomAD 0.01%). This variant has not been reported in the literature in individuals affected with LRRK2-related conditions. ClinVar contains an entry for this variant (Variation ID: 1482826). An algorithm developed to predict the effect of missense changes on protein structure and function outputs the following: PolyPhen-2: "Benign". The valine amino acid residue is found in multiple mammalian species, which suggests that this missense change does not adversely affect protein function. In summary, the available evidence is currently insufficient to determine the role of this variant in disease. Therefore, it has been classified as a Variant of Uncertain Significance.

Fulgent Genetics
Classification: Uncertain significance for Autosomal dominant Parkinson disease 8. Last evaluated: 2021-09-19. Review status: criteria provided, single submitter. Criteria: ACMG Guidelines, 2015. Collection method: clinical testing. Allele origin: unknown.

NM_198578.4(LRRK2):c.7382C>T (p.Ala2461Val)

Gene: LRRK2 (leucine rich repeat kinase 2; plus strand). Cytogenetic location: 12q12.
Variant type: single nucleotide variant.
Coding change: c.7382C>T on transcript NM_198578.4 (MANE Select); coding-DNA position 7382, C replaced by T.
Protein change: p.Ala2461Val; replaces alanine 2461 with valine.
Molecular consequence: missense variant.
Genome position (GRCh38, 1-based): chr12:40,365,042, C>T. VCF-style: chr12-40365042-C-T. GRCh37 (hg19) VCF-style: chr12-40758844-C-T.
Other names: short protein forms A2461V.
Identifiers: ClinVar variation 1482826 (VCV001482826.8), dbSNP rs201037550, ClinGen allele CA6514907.